The following is an entry in ClinVar:

NM_177438.3(DICER1):c.1752+213A>G

Gene: DICER1 (dicer 1, ribonuclease III; minus strand). Cytogenetic location: 14q32.13.
Variant type: single nucleotide variant.
Coding change: c.1752+213A>G on transcript NM_177438.3 (MANE Select); 213 bases into the intron after coding-DNA position 1752, A replaced by G.
Molecular consequence: intron variant.
Genome position (GRCh38, 1-based): chr14:95,116,240, T>C on the plus strand (A>G on the coding strand, the complement: DICER1 is on the minus strand). VCF-style: chr14-95116240-T-C. GRCh37 (hg19) VCF-style: chr14-95582577-T-C.
Other names: NR_172720.1:n.2097+213A>G; c.1752+213A>G (NM_177438.2, NM_001291628.2, NM_030621.4 and 13 more transcripts); c.1347+213A>G (NM_001395690.1, NM_001395687.1, NM_001395689.1 and 3 more transcripts); c.1470+213A>G (NM_001395686.1); c.1185+213A>G (NM_001395691.1); c.69+213A>G (NM_001395697.1).
Identifiers: ClinVar variation 2573146 (VCV002573146.6), dbSNP rs2543019173, ClinGen allele CA2573334965.
Genomic context (GRCh38, chr14:95,116,240, plus strand): 5'-CAATGCAATTTCCCAGACGTTCATCCCAAATAACATATGTGATGATCATTTTCACTGTTA[T>C]CTTATTGTGCCCTTTCAAACACTTTGTATAACACTGCCGGGTCTTTGTGATCATTCTCAA-3'

ClinVar aggregate classification (germline): Likely pathogenic. Review status: reviewed by expert panel (3 of 4 stars). 3 submissions from 3 submitters: Likely pathogenic (1). 2 of the submissions do not count toward it. Last evaluated 2025-08-26.

Conditions:
Hereditary cancer-predisposing syndrome. Also called: Neoplastic Syndromes, Hereditary; Tumor predisposition; Hereditary Cancer Syndrome; Hereditary neoplastic syndrome. Identifiers: Orphanet 140162, MedGen C0027672, MeSH D009386, MONDO:0015356.
DICER1-related tumor predisposition. Also called: DICER1-related pleuropulmonary blastoma cancer predisposition syndrome; DICER1 syndrome. Identifiers: Orphanet 284343, MedGen C3839822, MONDO:0100216.

Submissions (3):

ClinGen DICER1 and miRNA-Processing Gene Variant Curation Expert Panel, ClinGen
Classification: Likely pathogenic for DICER1-related tumor predisposition. Last evaluated: 2025-08-26. Review status: reviewed by expert panel. Criteria: ClinGen DICER1 ACMG Specifications DICER1 V1.4.0. Collection method: curation. Allele origin: germline. Inheritance: Autosomal dominant inheritance.
Comment: The NM_177438.2:c.1752+213A>G variant in DICER1 is an intronic variant located 213 base pairs downstream of exon 10. This variant received a total of 1 phenotype points across 1 unrelated proband meeting DICER1 VCEP phenotype specificity scoring criteria of 1-1.5 points (PS4_Supporting; PMID: 37883719). At least one patient with this variant was found to have a somatic second hit in a recognized DICER1 hotspot codon on tumor sequencing (PMID: 37883719), which is highly specific for DICER1 syndrome (PP4, PMID: 34398502). The variant has been reported to segregate with DICER1-spectrum tumors in 3 meioses from 1 family (PP1; PMID: 37883719). This variant is absent from gnomAD v4.1.0 (PM2_Supporting). Sequencing of RNA from patients showed an in-frame splicing impact resulting in a premature stop codon and NMD, indicating that this variant impacts protein function (PS3; Invitae, UT Southwestern). The splice site predictors MaxEntScan and SpliceAI indicate that the variant impacts splicing, evidence that correlates with impact to DICER1 function (PP3). In summary, this variant meets the criteria to be classified as Likely Pathogenic for DICER1-related tumor predisposition based on the ACMG/AMP criteria applied, as specified by the ClinGen DICER1 VCEP: PS4_Supporting, PP4, PP1, PM2_Supporting, PS3, PP3, (Bayesian Points: 9; VCEP specifications version 1.4.0; 08/26/2025)

Ambry Genetics
Classification: Likely pathogenic for Hereditary cancer-predisposing syndrome. Last evaluated: 2026-04-06. Review status: criteria provided, single submitter. Criteria: Ambry Variant Classification Scheme 2023. Collection method: clinical testing. Allele origin: germline. Not counted in ClinVar's aggregate classification.
Comment: The c.1752+213A>G intronic variant results from an A to G substitution 213 nucleotides after coding exon 9 in the DICER1 gene. This nucleotide position is well conserved in available vertebrate species. This alteration has been observed in at least one individual with a personal and/or family history that is consistent with DICER1-related disease (Fraire CR. et al. JCO Precis Oncol 2023 Sep;7:e2300189). In silico splice site analysis predicts that this alteration will result in the creation or strengthening of a novel splice donor site. RNA studies have demonstrated that this variant results in abnormal splicing in the set of samples tested (Ambry internal data). Based on the majority of available evidence to date, this variant is likely to be pathogenic.

Labcorp Genetics (formerly Invitae), Labcorp
Classification: Pathogenic for DICER1-related tumor predisposition. Last evaluated: 2023-07-07. Review status: criteria provided, single submitter. Criteria: Invitae Variant Classification Sherloc (09022015). Collection method: clinical testing. Allele origin: germline. Not counted in ClinVar's aggregate classification.
Comment: For these reasons, this variant has been classified as Pathogenic. Studies have shown that this variant results in insertion of a cryptic exon due to activation of a cryptic splice site and introduces a premature termination codon (Invitae). The resulting mRNA is expected to undergo nonsense-mediated decay. This sequence change falls in intron 10 of the DICER1 gene. It does not directly change the encoded amino acid sequence of the DICER1 protein. RNA analysis indicates that this variant induces altered splicing and may result in an absent or disrupted protein product. This variant is not present in population databases (gnomAD no frequency). This variant has been observed in individual(s) with clinical features of DICER1-related condition (Invitae; External communication). It has also been observed to segregate with disease in related individuals.